The following is an entry in ClinVar:

ClinVar aggregate classification (germline): Uncertain significance. Review status: criteria provided, multiple submitters, no conflicts (2 of 4 stars). 2 submissions from 2 submitters: Uncertain significance (2). Last evaluated 2025-05-24.

Conditions:
Neuropathy, hereditary sensory and autonomic, type 2A (HSAN2A). Also called: ACROOSTEOLYSIS, GIACCAI TYPE; ACROOSTEOLYSIS, NEUROGENIC; WNK1-Related HSAN2 (HSAN2A); HSAN IIA; MORVAN DISEASE; NEUROPATHY, CONGENITAL SENSORY. Identifiers: Orphanet 970, MedGen C2752089, MONDO:0024309, OMIM 201300.
Pseudohypoaldosteronism type 2C (PHA2C). Also called: Pseudohypoaldosteronism Type IIC. Identifiers: Orphanet 757, Orphanet 88940, MedGen C1840391, MONDO:0013778, OMIM 614492.

Allele frequency attached by ClinVar (database versions not stated): gnomAD 0.00001; TOPMed 0.00001; ExAC 0.00002.
gnomAD v4.1: 8 of 1,588,422 alleles (0.0005%); highest among the groups gnomAD compares: East Asian, 0.0046%; no homozygotes.

Submissions (2):

Labcorp Genetics (formerly Invitae), Labcorp
Classification: Uncertain significance for Neuropathy, hereditary sensory and autonomic, type 2A; Pseudohypoaldosteronism type 2C. Last evaluated: 2025-05-24. Review status: criteria provided, single submitter. Criteria: Invitae Variant Classification Sherloc (09022015). Collection method: clinical testing. Allele origin: germline.
Comment: This sequence change replaces proline, which is neutral and non-polar, with leucine, which is neutral and non-polar, at codon 153 of the WNK1 protein (p.Pro153Leu). The frequency data for this variant in the population databases is considered unreliable, as metrics indicate poor data quality at this position in the gnomAD database. This variant has not been reported in the literature in individuals affected with WNK1-related conditions. ClinVar contains an entry for this variant (Variation ID: 960372). Invitae Evidence Modeling of protein sequence and biophysical properties (such as structural, functional, and spatial information, amino acid conservation, physicochemical variation, residue mobility, and thermodynamic stability) indicates that this missense variant is not expected to disrupt WNK1 protein function with a negative predictive value of 95%. In summary, the available evidence is currently insufficient to determine the role of this variant in disease. Therefore, it has been classified as a Variant of Uncertain Significance.

Fulgent Genetics
Classification: Uncertain significance for Neuropathy, hereditary sensory and autonomic, type 2A; Pseudohypoaldosteronism type 2C. Last evaluated: 2024-03-22. Review status: criteria provided, single submitter. Criteria: ACMG Guidelines, 2015. Collection method: clinical testing. Allele origin: germline.

NM_018979.4(WNK1):c.458C>T (p.Pro153Leu)

Gene: WNK1 (WNK lysine deficient protein kinase 1; plus strand). Cytogenetic location: 12p13.33.
Variant type: single nucleotide variant.
Coding change: c.458C>T on transcript NM_018979.4 (MANE Select); coding-DNA position 458, C replaced by T.
Protein change: p.Pro153Leu; replaces proline 153 with leucine.
Molecular consequence: missense variant.
Genome position (GRCh38, 1-based): chr12:754,023, C>T. VCF-style: chr12-754023-C-T. GRCh37 (hg19) VCF-style: chr12-863189-C-T.
Other names: c.458C>T, p.Pro153Leu (NM_001184985.2, NM_014823.3, NM_213655.5); short protein forms P153L.
Identifiers: ClinVar variation 960372 (VCV000960372.10), dbSNP rs765331494, ClinGen allele CA6381793.